The following is an entry in ClinVar:

NM_005869.4(CWC27):c.372C>G (p.Asn124Lys)

Gene: CWC27 (CWC27 spliceosome associated cyclophilin; plus strand). Cytogenetic location: 5q12.3.
Variant type: single nucleotide variant.
Coding change: c.372C>G on transcript NM_005869.4 (MANE Select); coding-DNA position 372, C replaced by G.
Protein change: p.Asn124Lys; replaces asparagine 124 with lysine.
Molecular consequence: missense variant.
Genome position (GRCh38, 1-based): chr5:64,783,955, C>G. VCF-style: chr5-64783955-C-G. GRCh37 (hg19) VCF-style: chr5-64079782-C-G.
Other names: c.372C>G, p.Asn124Lys (NM_001297644.1, NM_001297645.2, NM_001318000.2 and 1 more transcripts); short protein forms N124K.
Identifiers: ClinVar variation 1411640 (VCV001411640.5), dbSNP rs762125859, ClinGen allele CA3281926.

ClinVar aggregate classification (germline): Uncertain significance (1 of 4 stars; one submission).

Allele frequency attached by ClinVar (database versions not stated): ExAC 0.00001; gnomAD exomes 0.00001; gnomAD 0.00003; TOPMed 0.00003.
gnomAD v4.1: 4 of 1,592,520 alleles (0.00025%); highest among the groups gnomAD compares: African/African-American, 0.0054%; no homozygotes.

Submission:

Labcorp Genetics (formerly Invitae), Labcorp
Classification: Uncertain significance. Last evaluated: 2022-01-13. Review status: criteria provided, single submitter. Criteria: Invitae Variant Classification Sherloc (09022015). Collection method: clinical testing. Allele origin: germline.
Comment: This sequence change replaces asparagine, which is neutral and polar, with lysine, which is basic and polar, at codon 124 of the CWC27 protein (p.Asn124Lys). This variant is present in population databases (rs762125859, gnomAD 0.01%). This variant has not been reported in the literature in individuals affected with CWC27-related conditions. Algorithms developed to predict the effect of missense changes on protein structure and function are either unavailable or do not agree on the potential impact of this missense change (SIFT: "Deleterious"; PolyPhen-2: "Probably Damaging"; Align-GVGD: "Class C0"). In summary, the available evidence is currently insufficient to determine the role of this variant in disease. Therefore, it has been classified as a Variant of Uncertain Significance.